The following is an entry in ClinVar:

NM_014285.7(EXOSC2):c.122+5G>A

Genes: EXOSC2 (exosome component 2; plus strand), LOC130002815 (ATAC-STARR-seq lymphoblastoid active region 29156; plus strand). Cytogenetic location: 9q34.12.
Variant type: single nucleotide variant.
Coding change: c.122+5G>A on transcript NM_014285.7 (MANE Select); 5 bases into the intron after coding-DNA position 122, G replaced by A.
Molecular consequence: intron variant.
Genome position (GRCh38, 1-based): chr9:130,693,918, G>A. VCF-style: chr9-130693918-G-A. GRCh37 (hg19) VCF-style: chr9-133569305-G-A.
Other names: c.122+5G>A (NM_001282708.1, NM_001282709.1).
Identifiers: ClinVar variation 1369905 (VCV001369905.3), dbSNP rs748719679, ClinGen allele CA5284743.
Genomic context (GRCh38, chr9:130,693,918, plus strand): 5'-AAGAAACATCTAGTGGTGCCGGGGGATACAATCACTACGGACACAGGATTCATGCGGTAC[G>A]TGGGGACTTGGGGGAGTCGAGGCTTCAGAGAGCGGCTTCAGGGCTCTCTGCACGTGGTCC-3'

ClinVar aggregate classification (germline): Uncertain significance (1 of 4 stars; one submission).

Allele frequency attached by ClinVar (database versions not stated): gnomAD exomes 0.00001 and 0.00002; ExAC 0.00002.
gnomAD v4.1: 15 of 1,598,116 alleles (0.00094%); highest among the groups gnomAD compares: South Asian, 0.016%; no homozygotes.

Submission:

Labcorp Genetics (formerly Invitae), Labcorp
Classification: Uncertain significance. Last evaluated: 2021-02-04. Review status: criteria provided, single submitter. Criteria: Invitae Variant Classification Sherloc (09022015). Collection method: clinical testing. Allele origin: germline.
Comment: This sequence change falls in intron 1 of the EXOSC2 gene. It does not directly change the encoded amino acid sequence of the EXOSC2 protein. It affects a nucleotide within the consensus splice site of the intron. This variant is present in population databases (rs748719679, ExAC 0.01%). This variant has not been reported in the literature in individuals with EXOSC2-related conditions. Nucleotide substitutions within the consensus splice site are a relatively common cause of aberrant splicing (PMID: 17576681, 9536098). Algorithms developed to predict the effect of sequence changes on RNA splicing suggest that this variant may disrupt the consensus splice site, but this prediction has not been confirmed by published transcriptional studies. In summary, the available evidence is currently insufficient to determine the role of this variant in disease. Therefore, it has been classified as a Variant of Uncertain Significance.

Literature cited by the submitters: PubMed 17576681; PubMed 9536098.